The following is an entry in ClinVar:

NM_170606.3(KMT2C):c.2038G>A (p.Glu680Lys)

Gene: KMT2C (lysine methyltransferase 2C; minus strand). Cytogenetic location: 7q36.1.
Variant type: single nucleotide variant.
Coding change: c.2038G>A on transcript NM_170606.3 (MANE Select); coding-DNA position 2038, G replaced by A.
Protein change: p.Glu680Lys; replaces glutamic acid 680 with lysine.
Molecular consequence: missense variant.
Genome position (GRCh38, 1-based): chr7:152,248,396, C>T on the plus strand (G>A on the coding strand, the complement: KMT2C is on the minus strand). VCF-style: chr7-152248396-C-T. GRCh37 (hg19) VCF-style: chr7-151945481-C-T.
Other names: short protein forms E680K.
Identifiers: ClinVar variation 4538202 (VCV004538202.1).

ClinVar aggregate classification (germline): Uncertain significance (1 of 4 stars; one submission).

Submission:

Greenwood Genetic Center Diagnostic Laboratories, Greenwood Genetic Center
Classification: Uncertain significance. Last evaluated: 2025-05-01. Review status: criteria provided, single submitter. Criteria: ACMG Guidelines, 2015. Collection method: clinical testing. Allele origin: germline. Affected: yes.
Comment: PM2, BP4, PP2